The following is an entry in ClinVar:

NM_000038.6(APC):c.1537G>T (p.Val513Leu)

Gene: APC (APC regulator of Wnt signaling pathway; plus strand). Cytogenetic location: 5q22.2.
Variant type: single nucleotide variant.
Coding change: c.1537G>T on transcript NM_000038.6 (MANE Select); coding-DNA position 1537, G replaced by T.
Protein change: p.Val513Leu; replaces valine 513 with leucine.
Molecular consequence: missense variant.
Genome position (GRCh38, 1-based): chr5:112,827,236, G>T. VCF-style: chr5-112827236-G-T. GRCh37 (hg19) VCF-style: chr5-112162933-G-T.
Other names: c.1537G>T, p.Val513Leu (NM_001127510.3, NM_001354895.2, NM_001407450.1); c.1483G>T, p.Val495Leu (NM_001127511.3); c.1591G>T, p.Val531Leu (NM_001354896.2, NM_001407447.1, NM_001407448.1 and 1 more transcripts); c.1567G>T, p.Val523Leu (NM_001354897.2); c.1462G>T, p.Val488Leu (NM_001354898.2); c.1453G>T, p.Val485Leu (NM_001354899.2); c.1414G>T, p.Val472Leu (NM_001354900.2); c.1360G>T, p.Val454Leu (NM_001354901.2, NM_001407453.1); and 11 more; short protein forms V230L, V353L, V387L, V412L, V454L, V485L, V503L, V531L.
Identifiers: ClinVar variation 2587030 (VCV002587030.5), dbSNP rs761268212, ClinGen allele CA16024667.

ClinVar aggregate classification (germline): Uncertain significance. Review status: criteria provided, multiple submitters, no conflicts (2 of 4 stars). 2 submissions from 2 submitters: Uncertain significance (2). Last evaluated 2023-08-31.

Conditions:
Familial adenomatous polyposis 1 (FAP1). Also called: FAMILIAL ADENOMATOUS POLYPOSIS 1, ATTENUATED; POLYPOSIS, ADENOMATOUS INTESTINAL. Identifiers: MedGen C2713442, MONDO:0021056, OMIM 175100. Disease mechanism: loss of function.
Hereditary cancer-predisposing syndrome. Also called: Hereditary neoplastic syndrome; Tumor predisposition; Hereditary Cancer Syndrome; Neoplastic Syndromes, Hereditary. Identifiers: Orphanet 140162, MedGen C0027672, MeSH D009386, MONDO:0015356.

Submissions (2):

Ambry Genetics
Classification: Uncertain significance for Hereditary cancer-predisposing syndrome. Last evaluated: 2023-08-31. Review status: criteria provided, single submitter. Criteria: Ambry Variant Classification Scheme 2023. Collection method: clinical testing. Allele origin: germline.
Comment: The p.V513L variant (also known as c.1537G>T), located in coding exon 11 of the APC gene, results from a G to T substitution at nucleotide position 1537. The valine at codon 513 is replaced by leucine, an amino acid with highly similar properties. This amino acid position is highly conserved in available vertebrate species. In addition, in silico predictors for this gene do not accurately predict pathogenicity. Since supporting evidence is limited at this time, the clinical significance of this alteration remains unclear.

Labcorp Genetics (formerly Invitae), Labcorp
Classification: Uncertain significance for Familial adenomatous polyposis 1. Last evaluated: 2023-08-18. Review status: criteria provided, single submitter. Criteria: Invitae Variant Classification Sherloc (09022015). Collection method: clinical testing. Allele origin: germline.
Comment: In summary, the available evidence is currently insufficient to determine the role of this variant in disease. Therefore, it has been classified as a Variant of Uncertain Significance. Advanced modeling of protein sequence and biophysical properties (such as structural, functional, and spatial information, amino acid conservation, physicochemical variation, residue mobility, and thermodynamic stability) performed at Invitae indicates that this missense variant is not expected to disrupt APC protein function. This variant has not been reported in the literature in individuals affected with APC-related conditions. This variant is not present in population databases (gnomAD no frequency). This sequence change replaces valine, which is neutral and non-polar, with leucine, which is neutral and non-polar, at codon 513 of the APC protein (p.Val513Leu).